The following is an entry in ClinVar:

NM_005188.4(CBL):c.1715G>A (p.Cys572Tyr)

Gene: CBL (Cbl proto-oncogene; plus strand). Cytogenetic location: 11q23.3.
Variant type: single nucleotide variant.
Coding change: c.1715G>A on transcript NM_005188.4 (MANE Select); coding-DNA position 1715, G replaced by A.
Protein change: p.Cys572Tyr; replaces cysteine 572 with tyrosine.
Molecular consequence: missense variant.
Genome position (GRCh38, 1-based): chr11:119,285,340, G>A. VCF-style: chr11-119285340-G-A. GRCh37 (hg19) VCF-style: chr11-119156050-G-A.
Other names: short protein forms C572Y.
Identifiers: ClinVar variation 4613844 (VCV004613844.1).

ClinVar aggregate classification (germline): Uncertain significance (1 of 4 stars; one submission).

Conditions:
Cardiovascular phenotype. Identifiers: MedGen CN230736.

Submission:

Ambry Genetics
Classification: Uncertain significance for Cardiovascular phenotype. Last evaluated: 2025-10-23. Review status: criteria provided, single submitter. Criteria: Ambry Variant Classification Scheme 2023. Collection method: clinical testing. Allele origin: germline.
Comment: The p.C572Y variant (also known as c.1715G>A), located in coding exon 11 of the CBL gene, results from a G to A substitution at nucleotide position 1715. The cysteine at codon 572 is replaced by tyrosine, an amino acid with highly dissimilar properties. This amino acid position is conserved. In addition, the in silico prediction for this alteration is inconclusive. Based on the available evidence, the clinical significance of this variant remains unclear.